The following is an entry in ClinVar:

ClinVar aggregate classification (germline): Pathogenic/Likely pathogenic. Review status: criteria provided, multiple submitters, no conflicts (2 of 4 stars). 2 submissions from 2 submitters: Pathogenic (1); Likely pathogenic (1). Last evaluated 2024-12-06.

Conditions:
Hereditary factor VIII deficiency disease (HEMA). Also called: HEMOPHILIA, CLASSIC; AUTOSOMAL HEMOPHILIA A; Hemophilia A; Hemophilia A, congenital; HEM A; Factor 8 deficiency, congenital. Identifiers: Orphanet 98878, MedGen C0019069, MONDO:0010602, OMIM 306700.

Submissions (2):

Mayo Clinic Laboratories, Mayo Clinic
Classification: Likely pathogenic. Last evaluated: 2024-12-06. Review status: criteria provided, single submitter. Criteria: ACMG Guidelines, 2015. Collection method: clinical testing. Allele origin: germline. Observed: 1 variant allele.
Comment: PP3_strong, PM1, PM2_supporting, PS4_moderate

Women's Health and Genetics/Laboratory Corporation of America, LabCorp
Classification: Pathogenic for Hereditary factor VIII deficiency disease. Last evaluated: 2024-12-02. Review status: criteria provided, single submitter. Criteria: LabCorp Variant Classification Summary - May 2015. Collection method: clinical testing. Allele origin: germline.
Comment: Variant summary: F8 c.5993A>G (p.Tyr1998Cys), also reported as Y1979C, results in a non-conservative amino acid change located in the Cupredoxins - blue copper protein domain (IPR008972) of the encoded protein sequence. Five of five in-silico tools predict a damaging effect of the variant on protein function. The variant was absent in 183088 control chromosomes. c.5993A>G has been reported in the presumed hemizygous state in the literature and in the EAHAD database in at least 13 individuals affected with Factor VIII Deficiency (Hemophilia A) (example, Cutler_2002, Eckhardt_2013, Johnsen_2017, EAHAD database). These data indicate that the variant is very likely to be associated with disease. To our knowledge, no experimental evidence demonstrating an impact on protein function has been reported, however patient FVIII:C levels varied between 7-34% (EAHAD). The following publications have been ascertained in the context of this evaluation (PMID: 11857744, 23926300, 29296726). No submitters have cited clinical-significance assessments for this variant to ClinVar. Based on the evidence outlined above, the variant was classified as pathogenic.

Literature cited by the submitters: PubMed 11157485 (cited by Mayo Clinic Laboratories, Mayo Clinic); PubMed 11857744 (cited by Mayo Clinic Laboratories, Mayo Clinic and Women's Health and Genetics/Laboratory Corporation of America, LabCorp); PubMed 16879218 (cited by Mayo Clinic Laboratories, Mayo Clinic); PubMed 18510534 (cited by Mayo Clinic Laboratories, Mayo Clinic); PubMed 19473423 (cited by Mayo Clinic Laboratories, Mayo Clinic); PubMed 21592259 (cited by Mayo Clinic Laboratories, Mayo Clinic); PubMed 29296726 (cited by Mayo Clinic Laboratories, Mayo Clinic and Women's Health and Genetics/Laboratory Corporation of America, LabCorp); PubMed 31267011 (cited by Mayo Clinic Laboratories, Mayo Clinic); PubMed 23926300 (cited by Women's Health and Genetics/Laboratory Corporation of America, LabCorp).

NM_000132.4(F8):c.5993A>G (p.Tyr1998Cys)

Gene: F8 (coagulation factor VIII; minus strand). Cytogenetic location: Xq28.
Variant type: single nucleotide variant.
Coding change: c.5993A>G on transcript NM_000132.4 (MANE Select); coding-DNA position 5993, A replaced by G.
Protein change: p.Tyr1998Cys; replaces tyrosine 1998 with cysteine.
Molecular consequence: missense variant.
Genome position (GRCh38, 1-based): chrX:154,903,911, T>C on the plus strand (A>G on the coding strand, the complement: F8 is on the minus strand). VCF-style: chrX-154903911-T-C. GRCh37 (hg19) VCF-style: chrX-154132186-T-C.
Other names: p.Tyr1998Cys; c.5993A>G (NM_000132.3); short protein forms Y1998C.
Identifiers: ClinVar variation 3768217 (VCV003768217.2).